The following is an entry in ClinVar:

NM_002693.3(POLG):c.373C>G (p.Leu125Val)

Genes: POLGARF (POLG alternative reading frame; minus strand), POLG (DNA polymerase gamma, catalytic subunit; minus strand). Cytogenetic location: 15q26.1.
Variant type: single nucleotide variant.
Coding change: c.373C>G on transcript NM_002693.3 (MANE Select); coding-DNA position 373, C replaced by G.
Protein change: p.Leu125Val; replaces leucine 125 with valine.
Molecular consequence: missense variant.
Genome position (GRCh38, 1-based): chr15:89,333,382, G>C on the plus strand (C>G on the coding strand, the complement: POLG is on the minus strand). VCF-style: chr15-89333382-G-C. GRCh37 (hg19) VCF-style: chr15-89876613-G-C.
Other names: c.373C>G, p.Leu125Val (NM_001126131.2); short protein forms L125V.
Identifiers: ClinVar variation 2882499 (VCV002882499.3), dbSNP rs2509275666, ClinGen allele CA393772214.

ClinVar aggregate classification (germline): Uncertain significance (1 of 4 stars; one submission).

Conditions:
Progressive sclerosing poliodystrophy (MTDPS4A). Also called: Mitochondrial DNA depletion syndrome 4A (Alpers type); ALPERS PROGRESSIVE INFANTILE POLIODYSTROPHY; NEURONAL DEGENERATION OF CHILDHOOD WITH LIVER DISEASE, PROGRESSIVE; Alpers Syndrome; ALPERS DIFFUSE DEGENERATION OF CEREBRAL GRAY MATTER WITH HEPATIC CIRRHOSIS; Alpers-Huttenlocher Syndrome. Identifiers: Orphanet 726, MedGen C0205710, MONDO:0008758, OMIM 203700.

Allele frequency attached by ClinVar (database versions not stated): gnomAD exomes below 0.00001.
gnomAD v4.1: 2 of 1,583,880 alleles (0.00013%); highest among the groups gnomAD compares: African/African-American, 0.0013%; no homozygotes.

Submission:

Labcorp Genetics (formerly Invitae), Labcorp
Classification: Uncertain significance for Progressive sclerosing poliodystrophy. Last evaluated: 2023-01-19. Review status: criteria provided, single submitter. Criteria: Invitae Variant Classification Sherloc (09022015). Collection method: clinical testing. Allele origin: germline.
Comment: This sequence change replaces leucine, which is neutral and non-polar, with valine, which is neutral and non-polar, at codon 125 of the POLG protein (p.Leu125Val). This variant is not present in population databases (gnomAD no frequency). This variant has not been reported in the literature in individuals affected with POLG-related conditions. Advanced modeling of protein sequence and biophysical properties (such as structural, functional, and spatial information, amino acid conservation, physicochemical variation, residue mobility, and thermodynamic stability) performed at Invitae indicates that this missense variant is expected to disrupt POLG protein function. In summary, the available evidence is currently insufficient to determine the role of this variant in disease. Therefore, it has been classified as a Variant of Uncertain Significance.